The following is an entry in ClinVar:

ClinVar aggregate classification (germline): Pathogenic (1 of 4 stars; one submission).

Conditions:
Interstitial 6q microdeletion syndrome.

Submission:

Broad Center for Mendelian Genomics, Broad Institute of MIT and Harvard
Classification: Pathogenic for Interstitial 6q microdeletion syndrome. Last evaluated: 2022-08-25. Review status: criteria provided, single submitter. Criteria: ACMG/ClinGen CNV Guidelines, 2019. Collection method: curation. Allele origin: germline. Inheritance: Sporadic. Affected: yes.
Comment: There is complete overlap with the EYA4 gene, which is known to be haploinsufficient and has been assessed by the ClinGen Dosage Sensitivity Working Group. Additional genes, NUS1 and GJA1, also have evidence supporting haploinsufficiency, but have not yet been curated by the clingen dosage sensitivity group and do not meet the burden of evidence to support haploinsufficiency (PMID: 29100083; PMID: 11470490). Data from large population studies is insufficient to assess the frequency of this variant. In summary, this variant meets criteria to be classified as pathogenic for autosomal dominant complex neurodevelopmental disorder. The ACMG/ClinGen evidence codes and points used in this curation are as follows: 1A: 0 points, 2A: 1.00 points, 3C: 0.90 points, 4: 0.0 points, 5A: 0.15 points; Total: 2.05 points; Riggs 2020 (PMID: 31690835).

Single allele

Genes: DCBLD1 (discoidin, CUB and LCCL domain containing 1; plus strand), DSE (dermatan sulfate epimerase; plus strand), L3MBTL3 (L3MBTL histone methyl-lysine binding protein 3; plus strand), ECHDC1 (ethylmalonyl-CoA decarboxylase 1; minus strand), FABP7 (fatty acid binding protein 7; plus strand) and 398 more. Cytogenetic location: 6q22.1-23.2.
Variant type: Deletion.
Identifiers: ClinVar variation 1703230 (VCV001703230.1).